The following is an entry in ClinVar:

ClinVar aggregate classification (germline): Uncertain significance (1 of 4 stars; one submission).

gnomAD v4.1: 1 of 1,613,540 alleles (0.000062%); highest among the groups gnomAD compares: African/African-American, 0.0013%; no homozygotes.

Submission:

Labcorp Genetics (formerly Invitae), Labcorp
Classification: Uncertain significance. Last evaluated: 2025-01-20. Review status: criteria provided, single submitter. Criteria: Invitae Variant Classification Sherloc (09022015). Collection method: clinical testing. Allele origin: germline.
Comment: This sequence change replaces lysine, which is basic and polar, with arginine, which is basic and polar, at codon 374 of the SRP54 protein (p.Lys374Arg). This variant is not present in population databases (gnomAD no frequency). This variant has not been reported in the literature in individuals affected with SRP54-related conditions. Invitae Evidence Modeling of protein sequence and biophysical properties (such as structural, functional, and spatial information, amino acid conservation, physicochemical variation, residue mobility, and thermodynamic stability) indicates that this missense variant is not expected to disrupt SRP54 protein function with a negative predictive value of 80%. In summary, the available evidence is currently insufficient to determine the role of this variant in disease. Therefore, it has been classified as a Variant of Uncertain Significance.

NM_003136.4(SRP54):c.1121A>G (p.Lys374Arg)

Gene: SRP54 (signal recognition particle 54; plus strand). Cytogenetic location: 14q13.2.
Variant type: single nucleotide variant.
Coding change: c.1121A>G on transcript NM_003136.4 (MANE Select); coding-DNA position 1121, A replaced by G.
Protein change: p.Lys374Arg; replaces lysine 374 with arginine.
Molecular consequence: missense variant.
Genome position (GRCh38, 1-based): chr14:35,019,039, A>G. VCF-style: chr14-35019039-A-G. GRCh37 (hg19) VCF-style: chr14-35488245-A-G.
Other names: c.974A>G, p.Lys325Arg (NM_001146282.2); c.1121A>G, p.Lys374Arg (NM_001411017.1); short protein forms K325R, K374R.
Identifiers: ClinVar variation 3686409 (VCV003686409.2).